The following is an entry in ClinVar:

NM_000246.4(CIITA):c.2681C>T (p.Ala894Val)

Gene: CIITA (class II major histocompatibility complex transactivator; plus strand). Cytogenetic location: 16p13.13.
Variant type: single nucleotide variant.
Coding change: c.2681C>T on transcript NM_000246.4 (MANE Select); coding-DNA position 2681, C replaced by T.
Protein change: p.Ala894Val; replaces alanine 894 with valine.
Molecular consequence: missense variant.
Genome position (GRCh38, 1-based): chr16:10,909,052, C>T. VCF-style: chr16-10909052-C-T. GRCh37 (hg19) VCF-style: chr16-11002909-C-T.
Other names: c.2684C>T, p.Ala895Val (NM_001286402.1, NM_001379332.1); c.929C>T, p.Ala310Val (NM_001286403.2); c.2537C>T, p.Ala846Val (NM_001379330.1); c.2534C>T, p.Ala845Val (NM_001379331.1); c.2681C>T, p.Ala894Val (NM_001379333.1); c.2612C>T, p.Ala871Val (NM_001379334.1); short protein forms A846V, A895V, A845V, A310V, A871V, A894V.
Identifiers: ClinVar variation 2067382 (VCV002067382.1), dbSNP rs143801818, ClinGen allele CA7900466.

ClinVar aggregate classification (germline): Uncertain significance (1 of 4 stars; one submission).

Conditions:
MHC class II deficiency. Also called: Bare lymphocyte syndrome 2; BLS, TYPE II. Identifiers: Orphanet 572, MedGen C5447452, MONDO:0008855.

Allele frequency attached by ClinVar (database versions not stated): gnomAD exomes 0.00003; ExAC 0.00007; gnomAD 0.00011; TOPMed 0.00012; ESP Exome Variant Server 0.00015.
gnomAD v4.1: 59 of 1,614,048 alleles (0.0037%); highest among the groups gnomAD compares: African/African-American, 0.031%; no homozygotes.

Submission:

Labcorp Genetics (formerly Invitae), Labcorp
Classification: Uncertain significance for MHC class II deficiency. Last evaluated: 2022-06-18. Review status: criteria provided, single submitter. Criteria: Invitae Variant Classification Sherloc (09022015). Collection method: clinical testing. Allele origin: germline.
Comment: This sequence change replaces alanine, which is neutral and non-polar, with valine, which is neutral and non-polar, at codon 894 of the CIITA protein (p.Ala894Val). This variant is present in population databases (rs143801818, gnomAD 0.05%). This variant has not been reported in the literature in individuals affected with CIITA-related conditions. Algorithms developed to predict the effect of missense changes on protein structure and function output the following: SIFT: "Tolerated"; PolyPhen-2: "Benign"; Align-GVGD: "Class C0". The valine amino acid residue is found in multiple mammalian species, which suggests that this missense change does not adversely affect protein function. In summary, the available evidence is currently insufficient to determine the role of this variant in disease. Therefore, it has been classified as a Variant of Uncertain Significance.